The following is an entry in ClinVar:

ClinVar aggregate classification (germline): Benign/Likely benign. Review status: criteria provided, multiple submitters, no conflicts (2 of 4 stars). 3 submissions from 3 submitters: Benign (1); Likely benign (2). Last evaluated 2025-10-01.

Conditions:
Intellectual developmental disorder, autosomal dominant 6, with or without seizures. Also called: Intellectual disability, autosomal dominant 6; GRIN2B-related developmental delay, intellectual disability and autism spectrum disorder. Identifiers: Orphanet 589547, MedGen C3151411, MONDO:0013509, OMIM 613970.
Developmental and epileptic encephalopathy, 27 (DEE27). Also called: Epileptic encephalopathy, early infantile, 27; GRIN2B-Related Neurodevelopmental Disorder. Identifiers: Orphanet 3451, MedGen C4015316, MONDO:0014505, OMIM 616139.

Allele frequency attached by ClinVar (database versions not stated): TOPMed 0.00006; gnomAD 0.00007; ESP Exome Variant Server 0.00008; gnomAD exomes 0.00012 and 0.00018; ExAC 0.00016.
gnomAD v4.1: 266 of 1,601,502 alleles (0.017%); highest among the groups gnomAD compares: Non-Finnish European, 0.021%; no homozygotes.

Submissions (3):

Labcorp Genetics (formerly Invitae), Labcorp
Classification: Likely benign for Developmental and epileptic encephalopathy, 27; Intellectual developmental disorder, autosomal dominant 6, with or without seizures. Last evaluated: 2025-10-01. Review status: criteria provided, single submitter. Criteria: Invitae Variant Classification Sherloc (09022015). Collection method: clinical testing. Allele origin: germline.

Blueprint Genetics
Classification: Likely benign. Last evaluated: 2024-11-22. Review status: criteria provided, single submitter. Criteria: ACMG Guidelines, 2015. Collection method: clinical testing. Allele origin: germline.

GeneDx
Classification: Benign. Last evaluated: 2015-07-01. Review status: criteria provided, single submitter. Criteria: GeneDx Variant Classification (06012015). Collection method: clinical testing. Allele origin: germline. Affected: yes.
Comment: This variant is considered likely benign or benign based on one or more of the following criteria: it is a conservative change, it occurs at a poorly conserved position in the protein, it is predicted to be benign by multiple in silico algorithms, and/or has population frequency not consistent with disease.

NM_000834.5(GRIN2B):c.1035G>A (p.Glu345=)

Gene: GRIN2B (glutamate ionotropic receptor NMDA type subunit 2B; minus strand). Cytogenetic location: 12p13.1.
Variant type: single nucleotide variant.
Coding change: c.1035G>A on transcript NM_000834.5 (MANE Select); coding-DNA position 1035, G replaced by A.
Protein change: p.Glu345=; no amino-acid change (glutamic acid 345 retained).
Molecular consequence: synonymous variant.
Genome position (GRCh38, 1-based): chr12:13,675,835, C>T on the plus strand (G>A on the coding strand, the complement: GRIN2B is on the minus strand). VCF-style: chr12-13675835-C-T. GRCh37 (hg19) VCF-style: chr12-13828769-C-T.
Identifiers: ClinVar variation 245708 (VCV000245708.11), dbSNP rs146812769, ClinGen allele CA6461318.